The following is an entry in ClinVar:

NM_003640.5(ELP1):c.2670A>C (p.Leu890Phe)

Gene: ELP1 (elongator acetyltransferase complex subunit 1; minus strand). Cytogenetic location: 9q31.3.
Variant type: single nucleotide variant.
Coding change: c.2670A>C on transcript NM_003640.5 (MANE Select); coding-DNA position 2670, A replaced by C.
Protein change: p.Leu890Phe; replaces leucine 890 with phenylalanine.
Molecular consequence: missense variant.
Genome position (GRCh38, 1-based): chr9:108,896,562, T>G on the plus strand (A>C on the coding strand, the complement: ELP1 is on the minus strand). VCF-style: chr9-108896562-T-G. GRCh37 (hg19) VCF-style: chr9-111658842-T-G.
Other names: c.2328A>C, p.Leu776Phe (NM_001318360.2); c.1623A>C, p.Leu541Phe (NM_001330749.2); short protein forms L541F, L776F, L890F.
Identifiers: ClinVar variation 4805863 (VCV004805863.1).
Genomic context (GRCh38, chr9:108,896,562, plus strand): 5'-TGACTTCTCAGCTACCATGAGGACCAAATCAAAGTCATAGGTGCCAAGAGAATGATCATA[T>G]AATTCATTAACATCTACCAGATGCAGCAAATATTTCAAGGCCTCTTCAGCACTCACAGCA-3'
Protein context (NP_003631.2, residues 880-900): YLLHLVDVNE[Leu890Phe]YDHSLGTYDF

ClinVar aggregate classification (germline): Uncertain significance (1 of 4 stars; one submission).

gnomAD v4.1: 1 of 1,613,794 alleles (0.000062%); highest among the groups gnomAD compares: Non-Finnish European, 0.000085%; no homozygotes.

Submission:

Labcorp Genetics (formerly Invitae), Labcorp
Classification: Uncertain significance. Last evaluated: 2025-04-03. Review status: criteria provided, single submitter. Criteria: Invitae Variant Classification Sherloc (09022015). Collection method: clinical testing. Allele origin: germline.
Comment: This sequence change replaces leucine, which is neutral and non-polar, with phenylalanine, which is neutral and non-polar, at codon 890 of the ELP1 protein (p.Leu890Phe). This variant is not present in population databases (gnomAD no frequency). This variant has not been reported in the literature in individuals affected with ELP1-related conditions. Invitae Evidence Modeling of protein sequence and biophysical properties (such as structural, functional, and spatial information, amino acid conservation, physicochemical variation, residue mobility, and thermodynamic stability) indicates that this missense variant is expected to disrupt ELP1 protein function with a positive predictive value of 80%. In summary, the available evidence is currently insufficient to determine the role of this variant in disease. Therefore, it has been classified as a Variant of Uncertain Significance.